The following is an entry in ClinVar:

ClinVar aggregate classification (germline): Uncertain significance. Review status: criteria provided, multiple submitters, no conflicts (2 of 4 stars). 2 submissions from 2 submitters: Uncertain significance (2). Last evaluated 2024-11-24.

Conditions:
Hereditary cancer-predisposing syndrome. Also called: Tumor predisposition; Hereditary neoplastic syndrome; Neoplastic Syndromes, Hereditary; Hereditary Cancer Syndrome. Identifiers: Orphanet 140162, MedGen C0027672, MeSH D009386, MONDO:0015356.
EGFR-related lung cancer (EGFR). Identifiers: MedGen CN130014.

Allele frequency attached by ClinVar (database versions not stated): TOPMed below 0.00001; gnomAD 0.00001.

Submissions (2):

Ambry Genetics
Classification: Uncertain significance for Hereditary cancer-predisposing syndrome. Last evaluated: 2024-11-24. Review status: criteria provided, single submitter. Criteria: Ambry Variant Classification Scheme 2023. Collection method: clinical testing. Allele origin: germline.
Comment: The p.M178L variant (also known as c.532A>T), located in coding exon 4 of the EGFR gene, results from an A to T substitution at nucleotide position 532. The methionine at codon 178 is replaced by leucine, an amino acid with highly similar properties. This amino acid position is conserved. In addition, this alteration is predicted to be tolerated by in silico analysis. Based on the available evidence, the clinical significance of this variant remains unclear.

Labcorp Genetics (formerly Invitae), Labcorp
Classification: Uncertain significance for EGFR-related lung cancer. Last evaluated: 2024-07-15. Review status: criteria provided, single submitter. Criteria: Invitae Variant Classification Sherloc (09022015). Collection method: clinical testing. Allele origin: germline.
Comment: This sequence change replaces methionine, which is neutral and non-polar, with leucine, which is neutral and non-polar, at codon 178 of the EGFR protein (p.Met178Leu). This variant is not present in population databases (gnomAD no frequency). This variant has not been reported in the literature in individuals affected with EGFR-related conditions. ClinVar contains an entry for this variant (Variation ID: 959532). An algorithm developed to predict the effect of missense changes on protein structure and function outputs the following: PolyPhen-2: "Benign". The leucine amino acid residue is found in multiple mammalian species, which suggests that this missense change does not adversely affect protein function. In summary, the available evidence is currently insufficient to determine the role of this variant in disease. Therefore, it has been classified as a Variant of Uncertain Significance.

NM_005228.5(EGFR):c.532A>T (p.Met178Leu)

Gene: EGFR (epidermal growth factor receptor; plus strand). Cytogenetic location: 7p11.2.
Variant type: single nucleotide variant.
Coding change: c.532A>T on transcript NM_005228.5 (MANE Select); coding-DNA position 532, A replaced by T.
Protein change: p.Met178Leu; replaces methionine 178 with leucine.
Molecular consequence: missense variant. On other transcripts: intron variant (3).
Genome position (GRCh38, 1-based): chr7:55,146,713, A>T. VCF-style: chr7-55146713-A-T. GRCh37 (hg19) VCF-style: chr7-55214406-A-T.
Other names: c.532A>T, p.Met178Leu (NM_001346898.2, NM_201282.2, NM_201283.2 and 1 more transcripts); c.373A>T, p.Met125Leu (NM_001346900.2); c.424+3225A>T (NM_001346899.2, NM_001346897.2); c.89-9117A>T (NM_001346941.2); short protein forms M178L, M125L.
Identifiers: ClinVar variation 959532 (VCV000959532.8), dbSNP rs1219334377, ClinGen allele CA367576699.